The following is an entry in ClinVar:

ClinVar aggregate classification (germline): Likely benign (1 of 4 stars; one submission).

gnomAD v4.1: 11 of 1,602,932 alleles (0.00069%); highest among the groups gnomAD compares: African/African-American, 0.0013%; no homozygotes.

Submission:

CeGaT Center for Human Genetics Tuebingen
Classification: Likely benign. Last evaluated: 2024-09-01. Review status: criteria provided, single submitter. Criteria: CeGaT Center For Human Genetics Tuebingen Variant Classification Criteria Version 2. Collection method: clinical testing. Allele origin: germline. Affected: yes. Observed: 1 variant allele.
Comment: TMEM204: BP4, BP7

NM_024600.6(TMEM204):c.273C>T (p.Thr91=)

Genes: IFT140 (intraflagellar transport 140; minus strand), TMEM204 (transmembrane protein 204; plus strand). Cytogenetic location: 16p13.3.
Variant type: single nucleotide variant.
Coding change: c.273C>T on transcript NM_024600.6 (MANE Select); coding-DNA position 273, C replaced by T.
Protein change: p.Thr91=; no amino-acid change (threonine 91 retained).
Molecular consequence: synonymous variant. On other transcripts: intron variant (1).
Genome position (GRCh38, 1-based): chr16:1,534,548, C>T. VCF-style: chr16-1534548-C-T. GRCh37 (hg19) VCF-style: chr16-1584549-C-T.
Other names: c.273C>T, p.Thr91= (NM_001256541.2); c.2400-7752G>A (NM_014714.4).
Identifiers: ClinVar variation 3389640 (VCV003389640.14).